The following is an entry in ClinVar:

NM_000465.4(BARD1):c.1723A>G (p.Ser575Gly)

Gene: BARD1 (BRCA1 associated RING domain 1; minus strand). Cytogenetic location: 2q35.
Variant type: single nucleotide variant.
Coding change: c.1723A>G on transcript NM_000465.4 (MANE Select); coding-DNA position 1723, A replaced by G.
Protein change: p.Ser575Gly; replaces serine 575 with glycine.
Molecular consequence: missense variant. On other transcripts: non-coding transcript variant (3), intron variant (1).
Genome position (GRCh38, 1-based): chr2:214,745,809, T>C on the plus strand (A>G on the coding strand, the complement: BARD1 is on the minus strand). VCF-style: chr2-214745809-T-C. GRCh37 (hg19) VCF-style: chr2-215610533-T-C.
Other names: c.1666A>G, p.Ser556Gly (NM_001282543.2); c.370A>G, p.Ser124Gly (NM_001282545.2); c.313A>G, p.Ser105Gly (NM_001282548.2); c.365-15301A>G (NM_001282549.2); short protein forms S124G, S575G, S105G, S556G.
Identifiers: ClinVar variation 1778812 (VCV001778812.5), dbSNP rs2469343122, ClinGen allele CA350453142.

ClinVar aggregate classification (germline): Uncertain significance. Review status: criteria provided, multiple submitters, no conflicts (2 of 4 stars). 2 submissions from 2 submitters: Uncertain significance (2). Last evaluated 2024-07-22.

Conditions:
Hereditary cancer-predisposing syndrome. Also called: Neoplastic Syndromes, Hereditary; Tumor predisposition; Hereditary Cancer Syndrome; Hereditary neoplastic syndrome. Identifiers: Orphanet 140162, MedGen C0027672, MeSH D009386, MONDO:0015356.
Familial cancer of breast. Also called: BREAST CANCER, FAMILIAL; Hereditary breast cancer; hereditary breast carcinoma. Identifiers: Orphanet 227535, MedGen C0346153, MONDO:0016419, OMIM 114480. Disease mechanism: loss of function.

Submissions (2):

Labcorp Genetics (formerly Invitae), Labcorp
Classification: Uncertain significance for Familial cancer of breast. Last evaluated: 2024-07-22. Review status: criteria provided, single submitter. Criteria: Invitae Variant Classification Sherloc (09022015). Collection method: clinical testing. Allele origin: germline.
Comment: This sequence change replaces serine, which is neutral and polar, with glycine, which is neutral and non-polar, at codon 575 of the BARD1 protein (p.Ser575Gly). This variant is not present in population databases (gnomAD no frequency). This variant has not been reported in the literature in individuals affected with BARD1-related conditions. ClinVar contains an entry for this variant (Variation ID: 1778812). An algorithm developed to predict the effect of missense changes on protein structure and function (PolyPhen-2) suggests that this variant is likely to be disruptive. In summary, the available evidence is currently insufficient to determine the role of this variant in disease. Therefore, it has been classified as a Variant of Uncertain Significance.

Ambry Genetics
Classification: Uncertain significance for Hereditary cancer-predisposing syndrome. Last evaluated: 2022-10-31. Review status: criteria provided, single submitter. Criteria: Ambry Variant Classification Scheme 2023. Collection method: clinical testing. Allele origin: germline.
Comment: The p.S575G variant (also known as c.1723A>G), located in coding exon 8 of the BARD1 gene, results from an A to G substitution at nucleotide position 1723. The serine at codon 575 is replaced by glycine, an amino acid with similar properties. This amino acid position is conserved. In addition, the in silico prediction for this alteration is inconclusive. Since supporting evidence is limited at this time, the clinical significance of this alteration remains unclear.